The following is an entry in ClinVar:

ClinVar aggregate classification (germline): Benign/Likely benign. Review status: criteria provided, multiple submitters, no conflicts (2 of 4 stars). 4 submissions from 4 submitters: Benign (1); Likely benign (3). Last evaluated 2025-07-11.

Conditions:
Hereditary cancer-predisposing syndrome. Also called: Neoplastic Syndromes, Hereditary; Hereditary Cancer Syndrome; Hereditary neoplastic syndrome; Tumor predisposition. Identifiers: Orphanet 140162, MedGen C0027672, MeSH D009386, MONDO:0015356.
Oligodontia-cancer predisposition syndrome. Also called: TOOTH AGENESIS-COLORECTAL CANCER SYNDROME. Identifiers: Orphanet 300576, MedGen C1837750, MONDO:0012075, OMIM 608615. Disease mechanism: loss of function.

Allele frequency attached by ClinVar (database versions not stated): ExAC 0.00003.
gnomAD v4.1: 2 of 1,555,006 alleles (0.00013%); highest among the groups gnomAD compares: South Asian, 0.0012%; no homozygotes.

Submissions (4):

Quest Diagnostics Nichols Institute San Juan Capistrano
Classification: Likely benign. Last evaluated: 2025-07-11. Review status: criteria provided, single submitter. Criteria: Quest Diagnostics criteria. Collection method: clinical testing. Allele origin: unknown.

Labcorp Genetics (formerly Invitae), Labcorp
Classification: Likely benign for Oligodontia-cancer predisposition syndrome. Last evaluated: 2025-04-06. Review status: criteria provided, single submitter. Criteria: Invitae Variant Classification Sherloc (09022015). Collection method: clinical testing. Allele origin: germline.

Myriad Genetics, Inc.
Classification: Benign for Oligodontia-cancer predisposition syndrome. Last evaluated: 2024-07-01. Review status: criteria provided, single submitter. Criteria: Myriad Autosomal Dominant, Autosomal Recessive and X-Linked Classification Criteria (2023). Collection method: clinical testing. Allele origin: unknown.
Comment: This variant is considered benign. This variant is a silent/synonymous amino acid change and it is not expected to impact splicing.

Ambry Genetics
Classification: Likely benign for Hereditary cancer-predisposing syndrome. Last evaluated: 2023-10-20. Review status: criteria provided, single submitter. Criteria: Ambry Variant Classification Scheme 2023. Collection method: clinical testing. Allele origin: germline.

NM_004655.4(AXIN2):c.1206A>G (p.Glu402=)

Gene: AXIN2 (axin 2; minus strand). Cytogenetic location: 17q24.1.
Variant type: single nucleotide variant.
Coding change: c.1206A>G on transcript NM_004655.4 (MANE Select); coding-DNA position 1206, A replaced by G.
Protein change: p.Glu402=; no amino-acid change (glutamic acid 402 retained).
Molecular consequence: synonymous variant.
Genome position (GRCh38, 1-based): chr17:65,537,830, T>C on the plus strand (A>G on the coding strand, the complement: AXIN2 is on the minus strand). VCF-style: chr17-65537830-T-C. GRCh37 (hg19) VCF-style: chr17-63533948-T-C.
Other names: c.1206A>G, p.Glu402= (NM_001363813.1); c.1206A>G (NM_004655.3).
Identifiers: ClinVar variation 1118175 (VCV001118175.12), dbSNP rs746253101, ClinGen allele CA8718715.
Genomic context (GRCh38, chr17:65,537,830, plus strand): 5'-GGGGTGCTGCGTGGGCGCCCCCTCCCGCGAATTGAGTGTGAGCTCGGAGCCCTCTCTCTC[T>C]TCATCCTGAAAGGGAAGACGTCAGAAGGAGAAGTGACCCAGGAAGCAGAAGGGCCAGAGG-3'
Protein context (NP_004646.3, residues 392-412): EERLQQIRED[Glu402=]EREGSELTLN